The following is an entry in ClinVar:

ClinVar aggregate classification (germline): Pathogenic (1 of 4 stars; one submission).

Conditions:
Larsen-like syndrome, B3GAT3 type. Also called: MULTIPLE JOINT DISLOCATIONS, SHORT STATURE, AND CRANIOFACIAL DYSMORPHISM WITH OR WITHOUT CONGENITAL HEART DEFECTS; Multiple joint dislocations, short stature, craniofacial dysmorphism, with or without congenital heart defects. Identifiers: Orphanet 284139, MedGen CN034159, MONDO:0009511, OMIM 245600.

Allele frequency attached by ClinVar (database versions not stated): gnomAD exomes below 0.00001 and 0.00001; ExAC 0.00001; gnomAD 0.00001.
gnomAD v4.1: 5 of 1,614,070 alleles (0.00031%); highest among the groups gnomAD compares: Admixed American, 0.0033%; no homozygotes.

Submission:

Division of Biology and Genetics, University of Brescia
Classification: Pathogenic for Larsen-like syndrome, B3GAT3 type. Review status: criteria provided, single submitter. Criteria: ACMG Guidelines, 2015. Collection method: clinical testing. Allele origin: maternal. Inheritance: Autosomal recessive inheritance. Affected: yes. Observed: 1 compound heterozygote.
Comment: The c.889C>T variant in exon 4 resulted in the substitution of an arginine residue with a tryptophan [p.(Arg297Trp)], but within the acceptor substrate binding subdomain. it was also observed in three individuals (rs759636773, 3/251080, no homozygotes, total MAF: C = 0.00001195). it was found in compound heterozygosity with other missense variant.

Literature cited by the submitters: PubMed 31438591.

NM_012200.4(B3GAT3):c.889C>T (p.Arg297Trp)

Gene: B3GAT3 (beta-1,3-glucuronyltransferase 3; minus strand). Cytogenetic location: 11q12.3.
Variant type: single nucleotide variant.
Coding change: c.889C>T on transcript NM_012200.4 (MANE Select); coding-DNA position 889, C replaced by T.
Protein change: p.Arg297Trp; replaces arginine 297 with tryptophan.
Molecular consequence: missense variant. On other transcripts: non-coding transcript variant (1).
Genome position (GRCh38, 1-based): chr11:62,616,526, G>A on the plus strand (C>T on the coding strand, the complement: B3GAT3 is on the minus strand). VCF-style: chr11-62616526-G-A. GRCh37 (hg19) VCF-style: chr11-62383998-G-A.
Other names: c.868C>T, p.Arg290Trp (NM_001288721.2); c.889C>T, p.Arg297Trp (NM_001288722.2, NM_001288723.2); short protein forms R290W, R297W.
Identifiers: ClinVar variation 978467 (VCV000978467.2), dbSNP rs759636773, ClinGen allele CA6049991.
Genomic context (GRCh38, chr11:62,616,526, plus strand): 5'-TCCAAGAGCCAGGTTTCTATGCCCATCTCCATTCCCTTACCCGAGTGCAGTTGGCAGCCC[G>A]TGGCTCCAGGTCCTTGGGATCCACAAGGTGGCTCAGAAGACTGCTCTCCAGGTGGCCCCG-3'
Protein context (NP_036332.2, residues 287-307): HLVDPKDLEP[Arg297Trp]AANCTRVLVW